The following is an entry in ClinVar:

NM_004752.4(GCM2):c.-44T>C

Gene: GCM2 (glial cells missing transcription factor 2; minus strand). Cytogenetic location: 6p24.2.
Variant type: single nucleotide variant.
Coding change: c.-44T>C on transcript NM_004752.4 (MANE Select); 44 bases upstream of the start codon, T replaced by C.
Molecular consequence: 5 prime UTR variant.
Genome position (GRCh38, 1-based): chr6:10,881,837, A>G on the plus strand (T>C on the coding strand, the complement: GCM2 is on the minus strand). VCF-style: chr6-10881837-A-G. GRCh37 (hg19) VCF-style: chr6-10882070-A-G.
Identifiers: ClinVar variation 355023 (VCV000355023.6), dbSNP rs16870746, ClinGen allele CA3634215.
Genomic context (GRCh38, chr6:10,881,837, plus strand): 5'-ACCGCGGCCGCCGGCATCTGCCCAACTCGCTCGCGCTTTCCGCCCAGGGTTCTGAAAAAT[A>G]GAAGAAAAAAGGACAGGTGCGCCAGGTGGGTTTTTTTTCTTCTCTTTAAAGAAGAAAGTG-3'

ClinVar aggregate classification (germline): Benign. Review status: criteria provided, multiple submitters, no conflicts (2 of 4 stars). 2 submissions from 2 submitters: Benign (2). Last evaluated 2018-11-11.

Conditions:
Familial hypoparathyroidism. Also called: Familial isolated hypoparathyroidism. Identifiers: Orphanet 2238, MedGen C1832648, MONDO:0016390.

Allele frequency attached by ClinVar (database versions not stated): gnomAD exomes 0.07708 and 0.09948; ExAC 0.10322; gnomAD 0.16954 and 0.17796; ESP Exome Variant Server 0.17466; 1000 Genomes Project 0.18351; TOPMed 0.18660; 1000 Genomes Project 30x 0.19457.
gnomAD v4.1: 131,643 of 1,516,650 alleles (8.7%); highest among the groups gnomAD compares: African/African-American, 41%; 10,459 homozygotes.

Submissions (2):

GeneDx
Classification: Benign. Last evaluated: 2018-11-11. Review status: criteria provided, single submitter. Criteria: GeneDx Variant Classification Process June 2021. Collection method: clinical testing. Allele origin: germline. Affected: yes.

Illumina Laboratory Services, Illumina
Classification: Benign for Hypoparathyroidism, familial isolated 1. Last evaluated: 2018-01-13. Review status: criteria provided, single submitter. Criteria: ICSL Variant Classification Criteria 13 December 2019. Collection method: clinical testing. Allele origin: germline.
Comment: This variant was observed in the ICSL laboratory as part of a predisposition screen in an ostensibly healthy population. It had not been previously curated by ICSL or reported in the Human Gene Mutation Database (HGMD: prior to June 1st, 2018), and was therefore a candidate for classification through an automated scoring system. Utilizing variant allele frequency, disease prevalence and penetrance estimates, and inheritance mode, an automated score was calculated to assess if this variant is too frequent to cause the disease. Based on the score and internal cut-off values, a variant classified as benign is not then subjected to further curation. The score for this variant resulted in a classification of benign for this disease.